The following is an entry in ClinVar:

NM_144651.5(PXDNL):c.1172G>A (p.Arg391Gln)

Gene: PXDNL (peroxidasin like; minus strand). Cytogenetic location: 8q11.22.
Variant type: single nucleotide variant.
Coding change: c.1172G>A on transcript NM_144651.5 (MANE Select); coding-DNA position 1172, G replaced by A.
Protein change: p.Arg391Gln; replaces arginine 391 with glutamine.
Molecular consequence: missense variant.
Genome position (GRCh38, 1-based): chr8:51,453,596, C>T on the plus strand (G>A on the coding strand, the complement: PXDNL is on the minus strand). VCF-style: chr8-51453596-C-T. GRCh37 (hg19) VCF-style: chr8-52366156-C-T.
Other names: short protein forms R391Q.
Identifiers: ClinVar variation 3038099 (VCV003038099.2), dbSNP rs79394014, ClinGen allele CA4745429.

ClinVar aggregate classification (germline): Benign (0 of 4 stars; one submission).

Conditions:
PXDNL-related disorder. Also called: PXDNL-related condition.

Allele frequency attached by ClinVar (database versions not stated): ESP Exome Variant Server 0.01288; TOPMed 0.01313; gnomAD 0.01520; gnomAD exomes 0.01673; 1000 Genomes Project 30x 0.02420; ExAC 0.02428; 1000 Genomes Project 0.02476.
gnomAD v4.1: 26,774 of 1,613,978 alleles (1.7%); highest among the groups gnomAD compares: East Asian, 6.3%; 484 homozygotes.

Submission:

PreventionGenetics, part of Exact Sciences
Classification: Benign for PXDNL-related condition. Last evaluated: 2019-05-02. Review status: no assertion criteria provided. Collection method: clinical testing. Allele origin: germline.
Comment: This variant is classified as benign based on ACMG/AMP sequence variant interpretation guidelines (Richards et al. 2015 PMID: 25741868, with internal and published modifications).